The following is an entry in ClinVar:

NM_025187.5(PHAF1):c.*325G>A

Gene: PHAF1 (phagophore assembly factor 1; plus strand). Cytogenetic location: 16q22.1.
Variant type: single nucleotide variant.
Coding change: c.*325G>A on transcript NM_025187.5 (MANE Select); 325 bases downstream of the stop codon, G replaced by A.
Molecular consequence: 3 prime UTR variant.
Genome position (GRCh38, 1-based): chr16:67,147,456, G>A. VCF-style: chr16-67147456-G-A. GRCh37 (hg19) VCF-style: chr16-67181359-G-A.
Other names: c.*325G>A (NM_001320540.2, NM_001320541.2, NM_001320542.2 and 1 more transcripts).
Identifiers: ClinVar variation 2646609 (VCV002646609.24), dbSNP rs149463851, ClinGen allele CA8100875.

ClinVar aggregate classification (germline): Likely benign (1 of 4 stars; one submission).

Allele frequency attached by ClinVar (database versions not stated): 1000 Genomes Project 30x 0.00156; 1000 Genomes Project 0.00180; TOPMed 0.00326; ExAC 0.00379; gnomAD 0.00455; gnomAD exomes 0.00533.
gnomAD v4.1: 1,586 of 313,300 alleles (0.51%); highest among the groups gnomAD compares: Non-Finnish European, 0.56%; 14 homozygotes.

Submission:

CeGaT Center for Human Genetics Tuebingen
Classification: Likely benign. Last evaluated: 2023-01-01. Review status: criteria provided, single submitter. Criteria: CeGaT Center For Human Genetics Tuebingen Variant Classification Criteria Version 2. Collection method: clinical testing. Allele origin: germline. Affected: yes. Observed: 1 variant allele.
Comment: PHAF1: BS2